The following is an entry in ClinVar:

ClinVar aggregate classification (germline): Conflicting classifications of pathogenicity. Review status: criteria provided, conflicting classifications (1 of 4 stars). 2 submissions from 2 submitters: Uncertain significance (1); Likely benign (1). Last evaluated 2025-03-04.

Conditions:
Hereditary breast ovarian cancer syndrome. Also called: Hereditary breast and ovarian cancer syndrome; Hereditary breast and ovarian cancer syndrome (HBOC); Breast and ovarian cancer; Hereditary breast and ovarian cancer; Hereditary breast and/or ovarian cancer syndrome; BRCA1- and BRCA2-Associated Hereditary Breast and Ovarian Cancer. Identifiers: Orphanet 145, MedGen C0677776, MeSH D061325, MONDO:0003582. Disease mechanism: loss of function.

Submissions (2):

Center for Genomic Medicine, Rigshospitalet, Copenhagen University Hospital
Classification: Likely benign. Last evaluated: 2025-03-04. Review status: criteria provided, single submitter. Criteria: ACMG Guidelines, 2015. Collection method: clinical testing. Allele origin: germline.

St. Jude Molecular Pathology, St. Jude Children's Research Hospital
Classification: Uncertain significance for Hereditary breast ovarian cancer syndrome. Last evaluated: 2021-12-29. Review status: criteria provided, single submitter. Criteria: St. Jude Assertion Criteria 2020. Collection method: clinical testing. Allele origin: germline.
Comment: The BARD1 c.216-3A>T intronic change results in a A to T substitution at the -3 position of intron 2 of BARD1 gene. This variant is absent in gnomAD v2.1.1 (PM2_supporting). Algorithms that predict the impact of sequence changes on splicing are not in agreement, but to our knowledge these predictions have not been confirmed by RNA studies. This variant is absent in a database of women older than 70 years of age who have never had cancer. To our knowledge, this variant has not been reported in individuals with HBOC. In summary, this variant meets criteria to be classified as of uncertain significance based on the ACMG/AMP criteria: PM2_supporting.

NM_000465.4(BARD1):c.216-3A>T

Gene: BARD1 (BRCA1 associated RING domain 1; minus strand). Cytogenetic location: 2q35.
Variant type: single nucleotide variant.
Coding change: c.216-3A>T on transcript NM_000465.4 (MANE Select); 3 bases into the intron before coding-DNA position 216, A replaced by T.
Molecular consequence: intron variant.
Genome position (GRCh38, 1-based): chr2:214,792,448, T>A on the plus strand (A>T on the coding strand, the complement: BARD1 is on the minus strand). VCF-style: chr2-214792448-T-A. GRCh37 (hg19) VCF-style: chr2-215657172-T-A.
Other names: c.158+16964A>T (NM_001282548.2); c.159-3A>T (NM_001282543.2); c.215+4613A>T (NM_001282545.2); c.216-3A>T (NM_001282549.2).
Identifiers: ClinVar variation 1691523 (VCV001691523.6), dbSNP rs1329481396, ClinGen allele CA1042189366.